The following is an entry in ClinVar:

NM_000091.5(COL4A3):c.3264T>G (p.Pro1088=)

Genes: COL4A3 (collagen type IV alpha 3 chain; plus strand), MFF-DT (MFF divergent transcript; minus strand). Cytogenetic location: 2q36.3.
Variant type: single nucleotide variant.
Coding change: c.3264T>G on transcript NM_000091.5 (MANE Select); coding-DNA position 3264, T replaced by G.
Protein change: p.Pro1088=; no amino-acid change (proline 1088 retained).
Molecular consequence: synonymous variant.
Genome position (GRCh38, 1-based): chr2:227,293,244, T>G. VCF-style: chr2-227293244-T-G. GRCh37 (hg19) VCF-style: chr2-228157960-T-G.
Identifiers: ClinVar variation 766619 (VCV000766619.15), dbSNP rs770449474, ClinGen allele CA2147169.

ClinVar aggregate classification (germline): Conflicting classifications of pathogenicity. Review status: criteria provided, conflicting classifications (1 of 4 stars). 3 submissions from 3 submitters: Uncertain significance (1); Likely benign (1). 1 of the submissions does not count toward it. Last evaluated 2025-03-10.

Conditions:
COL4A3-related disorder. Also called: COL4A3-Related Disorders; COL4A3-related condition.

Allele frequency attached by ClinVar (database versions not stated): ExAC 0.00001; gnomAD 0.00001; gnomAD exomes 0.00003; TOPMed 0.00005.
gnomAD v4.1: 24 of 1,613,810 alleles (0.0015%); highest among the groups gnomAD compares: Admixed American, 0.01%; no homozygotes.

Submissions (3):

Labcorp Genetics (formerly Invitae), Labcorp
Classification: Likely benign. Last evaluated: 2025-03-10. Review status: criteria provided, single submitter. Criteria: Invitae Variant Classification Sherloc (09022015). Collection method: clinical testing. Allele origin: germline.

GeneDx
Classification: Uncertain significance. Last evaluated: 2021-06-08. Review status: criteria provided, single submitter. Criteria: GeneDx Variant Classification Process June 2021. Collection method: clinical testing. Allele origin: germline. Affected: yes.
Comment: Has not been previously published as pathogenic or benign to our knowledge; In-silico analysis, which includes splice predictors and evolutionary conservation, is inconclusive as to whether the variant alters gene splicing. In the absence of RNA/functional studies, the actual effect of this sequence change is unknown

PreventionGenetics, part of Exact Sciences
Classification: Likely benign for COL4A3-related condition. Last evaluated: 2019-11-12. Review status: no assertion criteria provided. Collection method: clinical testing. Allele origin: germline. Not counted in ClinVar's aggregate classification.
Comment: This variant is classified as likely benign based on ACMG/AMP sequence variant interpretation guidelines (Richards et al. 2015 PMID: 25741868, with internal and published modifications).